The following is an entry in ClinVar:

NM_020549.5(CHAT):c.1381_1382inv (p.Val461Thr)

Gene: CHAT (choline O-acetyltransferase; plus strand). Cytogenetic location: 10q11.23.
Variant type: Inversion.
Coding change: c.1381_1382inv on transcript NM_020549.5 (MANE Select).
Protein change: p.Val461Thr; replaces valine 461 with threonine.
Molecular consequence: missense variant.
Genome position: GRCh38 VCF-style: chr10-49648606-GT-AC. GRCh37 (hg19) VCF-style: chr10-50856652-GT-AC.
Other names: c.1027_1028inv, p.Val343Thr (NM_001142929.2, NM_001142934.2, NM_020984.4 and 2 more transcripts); c.1135_1136inv, p.Val379Thr (NM_001142933.2); short protein forms V343T, V379T, V461T.
Identifiers: ClinVar variation 1043354 (VCV001043354.4), ClinGen allele CA2499220255.

ClinVar aggregate classification (germline): Uncertain significance (1 of 4 stars; one submission).

Conditions:
Familial infantile myasthenia (CMS6). Also called: Congenital myasthenic syndrome type 6; MYASTHENIC SYNDROME, CONGENITAL, 6, PRESYNAPTIC; MYASTHENIC SYNDROME, PRESYNAPTIC, CONGENITAL, ASSOCIATED WITH EPISODIC APNEA. Identifiers: Orphanet 590, MedGen C0393929, MONDO:0009689, OMIM 254210.

Submission:

Labcorp Genetics (formerly Invitae), Labcorp
Classification: Uncertain significance for Familial infantile myasthenia. Last evaluated: 2021-09-17. Review status: criteria provided, single submitter. Criteria: Invitae Variant Classification Sherloc (09022015). Collection method: clinical testing. Allele origin: germline.
Comment: This sequence change replaces methionine with threonine at codon 461 of the CHAT protein (p.Met461Thr). The methionine residue is highly conserved and there is a moderate physicochemical difference between methionine and threonine. The frequency data for this variant in the population databases is not available, as this variant may be reported as separate entries in the ExAC database. This variant has not been reported in the literature in individuals affected with CHAT-related conditions. Experimental studies and prediction algorithms are not available or were not evaluated, and the functional significance of this variant is currently unknown. In summary, the available evidence is currently insufficient to determine the role of this variant in disease. Therefore, it has been classified as a Variant of Uncertain Significance.